The following is an entry in ClinVar:

ClinVar aggregate classification (germline): Benign (1 of 4 stars; one submission).

Conditions:
Loeys-Dietz syndrome 4 (LDS4). Also called: ANEURYSM, AORTIC AND CEREBRAL, WITH ARTERIAL TORTUOSITY AND SKELETAL MANIFESTATIONS; TGFB2-Related Loeys-Dietz Syndrome. Identifiers: MedGen C3553762, MONDO:0013897, OMIM 614816.

Allele frequency attached by ClinVar (database versions not stated): gnomAD 0.01577 and 0.01705; TOPMed 0.01720; 1000 Genomes Project 0.01857; 1000 Genomes Project 30x 0.02030.

Submission:

Illumina Laboratory Services, Illumina
Classification: Benign for Loeys-Dietz syndrome 4. Last evaluated: 2017-04-27. Review status: criteria provided, single submitter. Criteria: ICSL Variant Classification Criteria 13 December 2019. Collection method: clinical testing. Allele origin: germline.
Comment: This variant was observed as part of a predisposition screen in an ostensibly healthy population. A literature search was performed for the gene, cDNA change, and amino acid change (where applicable). No publications were found based on this search. Allele frequency data from public databases was too high to be consistent with this variant causing disease. Therefore, this variant is classified as benign.

NM_003238.6(TGFB2):c.*1443T>A

Genes: TGFB2 (transforming growth factor beta 2; plus strand), TGFB2-OT1 (TGFB2 overlapping transcript 1; plus strand). Cytogenetic location: 1q41.
Variant type: single nucleotide variant.
Coding change: c.*1443T>A on transcript NM_003238.6 (MANE Select); 1443 bases downstream of the stop codon, T replaced by A.
Molecular consequence: 3 prime UTR variant. On other transcripts: non-coding transcript variant (3).
Genome position (GRCh38, 1-based): chr1:218,442,805, T>A. VCF-style: chr1-218442805-T-A. GRCh37 (hg19) VCF-style: chr1-218616147-T-A.
Other names: c.*1443T>A (NM_001135599.4).
Identifiers: ClinVar variation 295517 (VCV000295517.5), dbSNP rs60086269, ClinGen allele CA10609988.